The following is an entry in ClinVar:

NM_014804.3(KIAA0753):c.850G>A (p.Asp284Asn)

Gene: KIAA0753 (KIAA0753; minus strand). Cytogenetic location: 17p13.1.
Variant type: single nucleotide variant.
Coding change: c.850G>A on transcript NM_014804.3 (MANE Select); coding-DNA position 850, G replaced by A.
Protein change: p.Asp284Asn; replaces aspartic acid 284 with asparagine.
Molecular consequence: missense variant. On other transcripts: non-coding transcript variant (1), intron variant (1).
Genome position (GRCh38, 1-based): chr17:6,623,547, C>T on the plus strand (G>A on the coding strand, the complement: KIAA0753 is on the minus strand). VCF-style: chr17-6623547-C-T. GRCh37 (hg19) VCF-style: chr17-6526867-C-T.
Other names: c.-10+60G>A (NM_001351225.2); c.850G>A (NM_014804.2); short protein forms D284N.
Identifiers: ClinVar variation 1967761 (VCV001967761.5), dbSNP rs2544495859, ClinGen allele CA397413226.

ClinVar aggregate classification (germline): Uncertain significance. Review status: criteria provided, multiple submitters, no conflicts (2 of 4 stars). 2 submissions from 2 submitters: Uncertain significance (2). Last evaluated 2025-09-10.

Conditions:
Inborn genetic diseases. Identifiers: MedGen C0950123, MeSH D030342.

Submissions (2):

Ambry Genetics
Classification: Uncertain significance for Inborn genetic diseases. Last evaluated: 2025-09-10. Review status: criteria provided, single submitter. Criteria: Ambry Variant Classification Scheme 2023. Collection method: clinical testing. Allele origin: germline.

Labcorp Genetics (formerly Invitae), Labcorp
Classification: Uncertain significance. Last evaluated: 2022-03-19. Review status: criteria provided, single submitter. Criteria: Invitae Variant Classification Sherloc (09022015). Collection method: clinical testing. Allele origin: germline.
Comment: In summary, the available evidence is currently insufficient to determine the role of this variant in disease. Therefore, it has been classified as a Variant of Uncertain Significance. Algorithms developed to predict the effect of missense changes on protein structure and function are either unavailable or do not agree on the potential impact of this missense change (SIFT: "Deleterious"; PolyPhen-2: "Probably Damaging"; Align-GVGD: "Class C0"). This variant has not been reported in the literature in individuals affected with KIAA0753-related conditions. This variant is not present in population databases (gnomAD no frequency). This sequence change replaces aspartic acid, which is acidic and polar, with asparagine, which is neutral and polar, at codon 284 of the KIAA0753 protein (p.Asp284Asn).